The following is an entry in ClinVar:

ClinVar aggregate classification (germline): Uncertain significance. Review status: criteria provided, multiple submitters, no conflicts (2 of 4 stars). 2 submissions from 2 submitters: Uncertain significance (2). Last evaluated 2024-10-21.

Conditions:
Combined immunodeficiency due to MALT1 deficiency. Also called: Immunodeficiency 12. Identifiers: Orphanet 397964, MedGen C3809583, MONDO:0014197, OMIM 615468.

Allele frequency attached by ClinVar (database versions not stated): ExAC below 0.00001; gnomAD 0.00001 and 0.00002; gnomAD exomes 0.00001 and 0.00002; TOPMed 0.00002.
gnomAD v4.1: 32 of 1,613,830 alleles (0.002%); highest among the groups gnomAD compares: Middle Eastern, 0.28%; no homozygotes.

Submissions (2):

Labcorp Genetics (formerly Invitae), Labcorp
Classification: Uncertain significance for Combined immunodeficiency due to MALT1 deficiency. Last evaluated: 2024-10-21. Review status: criteria provided, single submitter. Criteria: Invitae Variant Classification Sherloc (09022015). Collection method: clinical testing. Allele origin: germline.
Comment: This sequence change replaces proline, which is neutral and non-polar, with leucine, which is neutral and non-polar, at codon 812 of the MALT1 protein (p.Pro812Leu). This variant is present in population databases (no rsID available, gnomAD 0.006%). This variant has not been reported in the literature in individuals affected with MALT1-related conditions. ClinVar contains an entry for this variant (Variation ID: 636467). An algorithm developed to predict the effect of missense changes on protein structure and function (PolyPhen-2) suggests that this variant¬†is likely to be tolerated. In summary, the available evidence is currently insufficient to determine the role of this variant in disease. Therefore, it has been classified as a Variant of Uncertain Significance.

Blueprint Genetics
Classification: Uncertain significance. Last evaluated: 2024-07-23. Review status: criteria provided, single submitter. Criteria: ACMG Guidelines, 2015. Collection method: clinical testing. Allele origin: germline.

NM_006785.4(MALT1):c.2435C>T (p.Pro812Leu)

Gene: MALT1 (MALT1 paracaspase; plus strand). Cytogenetic location: 18q21.32.
Variant type: single nucleotide variant.
Coding change: c.2435C>T on transcript NM_006785.4 (MANE Select); coding-DNA position 2435, C replaced by T.
Protein change: p.Pro812Leu; replaces proline 812 with leucine.
Molecular consequence: missense variant.
Genome position (GRCh38, 1-based): chr18:58,747,802, C>T. VCF-style: chr18-58747802-C-T. GRCh37 (hg19) VCF-style: chr18-56415034-C-T.
Other names: c.2402C>T, p.Pro801Leu (NM_173844.3); c.2435C>T, p.Pro812Leu (LRG_1221t1); short protein forms P812L, P801L.
Identifiers: ClinVar variation 636467 (VCV000636467.8), dbSNP rs1313931420, ClinGen allele CA8978108.